The following is an entry in ClinVar:

NM_006939.4(SOS2):c.3023del (p.Phe1008fs)

Gene: SOS2 (SOS Ras/Rho guanine nucleotide exchange factor 2; minus strand). Cytogenetic location: 14q21.3.
Variant type: Deletion.
Coding change: c.3023del on transcript NM_006939.4 (MANE Select); coding-DNA position 3023, one base deleted (T; older notation c.3023delT).
Protein change: p.Phe1008fs; shifts the reading frame from phenylalanine 1008.
Molecular consequence: frameshift variant.
Genome position (GRCh38, 1-based): chr14:50,134,175, A deleted on the plus strand (T on the coding strand, the reverse complement: SOS2 is on the minus strand); the first of 2 consecutive A bases (chr14:50,134,175-50,134,176); deleting either gives the same sequence. VCF-style (leftmost placement, unchanged base first): chr14-50134174-GA-G. GRCh37 (hg19) VCF-style: chr14-50600892-GA-G.
Other names: short protein forms F1008fs.
Identifiers: ClinVar variation 1424218 (VCV001424218.6), dbSNP rs2139528773, ClinGen allele CA2573149966.

ClinVar aggregate classification (germline): Uncertain significance (1 of 4 stars; one submission).

Conditions:
Noonan syndrome 9 (NS9). Identifiers: Orphanet 648, MedGen C4225282, MONDO:0014691, OMIM 616559.

Submission:

Labcorp Genetics (formerly Invitae), Labcorp
Classification: Uncertain significance for Noonan syndrome 9. Last evaluated: 2024-09-30. Review status: criteria provided, single submitter. Criteria: Invitae Variant Classification Sherloc (09022015). Collection method: clinical testing. Allele origin: germline.
Comment: This sequence change creates a premature translational stop signal (p.Phe1008Serfs*5) in the SOS2 gene. It is expected to result in an absent or disrupted protein product. However, the current clinical and genetic evidence is not sufficient to establish whether loss-of-function variants in SOS2 cause disease. This variant is not present in population databases (gnomAD no frequency). This variant has not been reported in the literature in individuals affected with SOS2-related conditions. ClinVar contains an entry for this variant (Variation ID: 1424218). In summary, the available evidence is currently insufficient to determine the role of this variant in disease. Therefore, it has been classified as a Variant of Uncertain Significance.